The following is an entry in ClinVar:

ClinVar aggregate classification (germline): Uncertain significance. Review status: criteria provided, multiple submitters, no conflicts (2 of 4 stars). 5 submissions from 5 submitters: Uncertain significance (4). 1 of the submissions does not count toward it. Last evaluated 2026-01-06.

Conditions:
Zellweger spectrum disorders (ZS). Also called: Zellweger Spectrum Disorder; Zellweger Spectrum; Zellweger syndrome; Zellweger Spectrum Disorder (ZSD). Identifiers: Orphanet 912, MedGen C0043459, MONDO:0019609.
PEX6-related disorder. Also called: PEX6-related condition; PEX6-related disorders.
Peroxisome biogenesis disorder. Identifiers: Orphanet 79189, MedGen C1832200, MONDO:0019234. Disease mechanism: loss of function.
Inborn genetic diseases. Identifiers: MedGen C0950123, MeSH D030342.

Allele frequency attached by ClinVar (database versions not stated): ExAC 0.00003; gnomAD 0.00003; TOPMed 0.00003; gnomAD exomes 0.00004 and 0.00007.

Submissions (5):

PreventionGenetics, part of Exact Sciences
Classification: Uncertain significance for PEX6-related condition. Last evaluated: 2026-01-06. Review status: criteria provided, single submitter. Criteria: ACMG Guidelines, 2015. Collection method: clinical testing. Allele origin: germline.
Comment: The PEX6 c.781C>T variant is predicted to result in the amino acid substitution p.Pro261Ser. To our knowledge, this variant has not been reported in the literature. This variant is reported in 0.0070% of alleles in individuals of European (Non-Finnish) descent in gnomAD. At this time, the clinical significance of this variant is uncertain due to the absence of conclusive functional and genetic evidence.

Ambry Genetics
Classification: Uncertain significance for Inborn genetic diseases. Last evaluated: 2025-07-01. Review status: criteria provided, single submitter. Criteria: Ambry Variant Classification Scheme 2023. Collection method: clinical testing. Allele origin: germline.

Labcorp Genetics (formerly Invitae), Labcorp
Classification: Uncertain significance for Peroxisome biogenesis disorder. Last evaluated: 2022-10-08. Review status: criteria provided, single submitter. Criteria: Invitae Variant Classification Sherloc (09022015). Collection method: clinical testing. Allele origin: germline.
Comment: This sequence change replaces proline, which is neutral and non-polar, with serine, which is neutral and polar, at codon 261 of the PEX6 protein (p.Pro261Ser). This variant is present in population databases (rs758866060, gnomAD 0.007%). This variant has not been reported in the literature in individuals affected with PEX6-related conditions. ClinVar contains an entry for this variant (Variation ID: 593848). Advanced modeling of protein sequence and biophysical properties (such as structural, functional, and spatial information, amino acid conservation, physicochemical variation, residue mobility, and thermodynamic stability) performed at Invitae indicates that this missense variant is not expected to disrupt PEX6 protein function. In summary, the available evidence is currently insufficient to determine the role of this variant in disease. Therefore, it has been classified as a Variant of Uncertain Significance.

Eurofins Ntd Llc (ga)
Classification: Uncertain significance. Last evaluated: 2017-09-13. Review status: criteria provided, single submitter. Criteria: EGL Classification Definitions 2015. Collection method: clinical testing. Allele origin: germline. Observed: 1 variant allele, 1 heterozygote.

Natera, Inc.
Classification: Uncertain significance for Zellweger syndrome. Last evaluated: 2019-10-28. Review status: no assertion criteria provided. Collection method: clinical testing. Allele origin: germline. Not counted in ClinVar's aggregate classification.

NM_000287.4(PEX6):c.781C>T (p.Pro261Ser)

Gene: PEX6 (peroxisomal biogenesis factor 6; minus strand). Cytogenetic location: 6p21.1.
Variant type: single nucleotide variant.
Coding change: c.781C>T on transcript NM_000287.4 (MANE Select); coding-DNA position 781, C replaced by T.
Protein change: p.Pro261Ser; replaces proline 261 with serine.
Molecular consequence: missense variant. On other transcripts: non-coding transcript variant (1), intron variant (1).
Genome position (GRCh38, 1-based): chr6:42,978,370, G>A on the plus strand (C>T on the coding strand, the complement: PEX6 is on the minus strand). VCF-style: chr6-42978370-G-A. GRCh37 (hg19) VCF-style: chr6-42946108-G-A.
Other names: c.618+163C>T (NM_001316313.2); short protein forms P261S.
Identifiers: ClinVar variation 593848 (VCV000593848.12), dbSNP rs758866060, ClinGen allele CA3811567.